The following is an entry in ClinVar:

NM_013275.6(ANKRD11):c.7062del (p.Ser2355fs)

Gene: ANKRD11 (ankyrin repeat domain containing 11; minus strand). Cytogenetic location: 16q24.3.
Variant type: Deletion.
Coding change: c.7062del on transcript NM_013275.6 (MANE Select); coding-DNA position 7062, one base deleted (C; older notation c.7062delC).
Protein change: p.Ser2355fs; shifts the reading frame from serine 2355.
Molecular consequence: frameshift variant.
Genome position (GRCh38, 1-based): chr16:89,279,480, G deleted on the plus strand (C on the coding strand, the reverse complement: ANKRD11 is on the minus strand); the first of 6 consecutive G bases (chr16:89,279,480-89,279,485); deleting any one gives the same sequence. VCF-style (leftmost placement, unchanged base first): chr16-89279479-AG-A. GRCh37 (hg19) VCF-style: chr16-89345887-AG-A.
Other names: c.7062delC (NM_013275.5); c.7062del, p.Ser2355fs (NM_001256182.2, NM_001256183.2); short protein forms S2355fs.
Identifiers: ClinVar variation 280801 (VCV000280801.3), dbSNP rs886041942, ClinGen allele CA10603562.
Genomic context (GRCh38, chr16:89,279,479, plus strand): 5'-CGGAGCCGCGGGCCTTGGCCCTGGTGACCGGGGCAGGGGTGGGGGCGCACTCCTTCTCGG[AG>A]GGGGGCGGGCCCTGCTTGCTCTGGTTCGCGAGCATCTGCGCCCGGTTCCTGGTCATGCGC-3'

ClinVar aggregate classification (germline): Pathogenic (1 of 4 stars; one submission).

Submission:

GeneDx
Classification: Pathogenic. Last evaluated: 2021-05-10. Review status: criteria provided, single submitter. Criteria: GeneDx Variant Classification Process June 2021. Collection method: clinical testing. Allele origin: germline. Affected: yes.
Comment: Frameshift variant predicted to result in protein truncation or nonsense mediated decay in a gene for which loss-of-function is a known mechanism of disease; Not observed in large population cohorts (Lek et al., 2016); Has not been previously published as pathogenic or benign to our knowledge